The following is an entry in ClinVar:

ClinVar aggregate classification (germline): Uncertain significance (1 of 4 stars; one submission).

Submission:

Labcorp Genetics (formerly Invitae), Labcorp
Classification: Uncertain significance. Last evaluated: 2025-04-11. Review status: criteria provided, single submitter. Criteria: Invitae Variant Classification Sherloc (09022015). Collection method: clinical testing. Allele origin: germline.
Comment: This sequence change replaces methionine, which is neutral and non-polar, with threonine, which is neutral and polar, at codon 490 of the PPP3CA protein (p.Met490Thr). This variant is not present in population databases (gnomAD no frequency). This variant has not been reported in the literature in individuals affected with PPP3CA-related conditions. ClinVar contains an entry for this variant (Variation ID: 2726809). Invitae Evidence Modeling of protein sequence and biophysical properties (such as structural, functional, and spatial information, amino acid conservation, physicochemical variation, residue mobility, and thermodynamic stability) indicates that this missense variant is not expected to disrupt PPP3CA protein function with a negative predictive value of 80%. In summary, the available evidence is currently insufficient to determine the role of this variant in disease. Therefore, it has been classified as a Variant of Uncertain Significance.

NM_000944.5(PPP3CA):c.1469T>C (p.Met490Thr)

Gene: PPP3CA (protein phosphatase 3 catalytic subunit alpha; minus strand). Cytogenetic location: 4q24.
Variant type: single nucleotide variant.
Coding change: c.1469T>C on transcript NM_000944.5 (MANE Select); coding-DNA position 1469, T replaced by C.
Protein change: p.Met490Thr; replaces methionine 490 with threonine.
Molecular consequence: missense variant.
Genome position (GRCh38, 1-based): chr4:101,025,962, A>G on the plus strand (T>C on the coding strand, the complement: PPP3CA is on the minus strand). VCF-style: chr4-101025962-A-G. GRCh37 (hg19) VCF-style: chr4-101947119-A-G.
Other names: c.1439T>C, p.Met480Thr (NM_001130691.2); c.1313T>C, p.Met438Thr (NM_001130692.2); short protein forms M438T, M480T, M490T.
Identifiers: ClinVar variation 2726809 (VCV002726809.3), dbSNP rs2476197376, ClinGen allele CA357947624.